The following is an entry in ClinVar:

NM_000059.4(BRCA2):c.9731T>C (p.Val3244Ala)

Gene: BRCA2 (BRCA2 DNA repair associated; plus strand). Cytogenetic location: 13q13.1.
Variant type: single nucleotide variant.
Coding change: c.9731T>C on transcript NM_000059.4 (MANE Select); coding-DNA position 9731, T replaced by C.
Protein change: p.Val3244Ala; replaces valine 3244 with alanine.
Molecular consequence: missense variant. On other transcripts: non-coding transcript variant (1).
Genome position (GRCh38, 1-based): chr13:32,398,244, T>C. VCF-style: chr13-32398244-T-C. GRCh37 (hg19) VCF-style: chr13-32972381-T-C.
Other names: c.9635T>C, p.Val3212Ala (NM_001406719.1); c.9680T>C, p.Val3227Ala (NM_001406720.1); c.4799T>C, p.Val1600Ala (NM_001406721.1); c.3314T>C, p.Val1105Ala (NM_001406722.1); c.9731T>C, p.Val3244Ala (NM_001432077.1); short protein forms V3212A, V1600A, V1105A, V3227A, V3244A.
Identifiers: ClinVar variation 3701780 (VCV003701780.3).

ClinVar aggregate classification (germline): Uncertain significance. Review status: criteria provided, multiple submitters, no conflicts (2 of 4 stars). 2 submissions from 2 submitters: Uncertain significance (2). Last evaluated 2025-02-10.

Conditions:
Hereditary breast ovarian cancer syndrome. Also called: BRCA1- and BRCA2-Associated Hereditary Breast and Ovarian Cancer; Breast and ovarian cancer; Hereditary breast and ovarian cancer; Hereditary breast and ovarian cancer syndrome (HBOC); Hereditary breast and ovarian cancer syndrome; Hereditary breast and/or ovarian cancer syndrome. Identifiers: Orphanet 145, MedGen C0677776, MeSH D061325, MONDO:0003582. Disease mechanism: loss of function.
Hereditary cancer-predisposing syndrome. Also called: Tumor predisposition; Neoplastic Syndromes, Hereditary; Hereditary Cancer Syndrome; Hereditary neoplastic syndrome. Identifiers: Orphanet 140162, MedGen C0027672, MeSH D009386, MONDO:0015356.

gnomAD v4.1: 1 of 1,614,114 alleles (0.000062%); highest among the groups gnomAD compares: Non-Finnish European, 0.000085%; no homozygotes.

Submissions (2):

Color Diagnostics, LLC DBA Color Health
Classification: Uncertain significance for Hereditary cancer-predisposing syndrome. Last evaluated: 2025-02-10. Review status: criteria provided, single submitter. Criteria: ACMG Guidelines, 2015. Collection method: clinical testing. Allele origin: germline.
Comment: This missense variant replaces valine with alanine at codon 3244 of the BRCA2 protein. Computational prediction suggests that this variant may not impact protein structure and function (internally defined REVEL score threshold <= 0.5, PMID: 27666373). To our knowledge, functional studies have not been reported for this variant. This variant has not been reported in individuals affected with BRCA2-related disorders in the literature. This variant has not been identified in the general population by the Genome Aggregation Database (gnomAD). The available evidence is insufficient to determine the role of this variant in disease conclusively. Therefore, this variant is classified as a Variant of Uncertain Significance.

Labcorp Genetics (formerly Invitae), Labcorp
Classification: Uncertain significance for Hereditary breast ovarian cancer syndrome. Last evaluated: 2024-07-21. Review status: criteria provided, single submitter. Criteria: Invitae Variant Classification Sherloc (09022015). Collection method: clinical testing. Allele origin: germline.
Comment: This sequence change replaces valine, which is neutral and non-polar, with alanine, which is neutral and non-polar, at codon 3244 of the BRCA2 protein (p.Val3244Ala). This variant is not present in population databases (gnomAD no frequency). This variant has not been reported in the literature in individuals affected with BRCA2-related conditions. Advanced modeling of protein sequence and biophysical properties (such as structural, functional, and spatial information, amino acid conservation, physicochemical variation, residue mobility, and thermodynamic stability) performed at Invitae indicates that this missense variant is not expected to disrupt BRCA2 protein function with a negative predictive value of 95%. In summary, the available evidence is currently insufficient to determine the role of this variant in disease. Therefore, it has been classified as a Variant of Uncertain Significance.